The following is an entry in ClinVar:

NM_015311.3(OBSL1):c.4642del (p.Asp1548fs)

Gene: OBSL1 (obscurin like cytoskeletal adaptor 1; minus strand). Cytogenetic location: 2q35.
Variant type: Deletion.
Coding change: c.4642del on transcript NM_015311.3 (MANE Select); coding-DNA position 4642, one base deleted (G; older notation c.4642delG).
Protein change: p.Asp1548fs; shifts the reading frame from aspartic acid 1548.
Molecular consequence: frameshift variant.
Genome position (GRCh38, 1-based): chr2:219,554,708, C deleted on the plus strand (G on the coding strand, the reverse complement: OBSL1 is on the minus strand); the first of 2 consecutive C bases (chr2:219,554,708-219,554,709); deleting either gives the same sequence. VCF-style (leftmost placement, unchanged base first): chr2-219554707-TC-T. GRCh37 (hg19) VCF-style: chr2-220419429-TC-T.
Other names: short protein forms D1548fs.
Identifiers: ClinVar variation 1522557 (VCV001522557.6), dbSNP rs2106017606, ClinGen allele CA2573135407.

ClinVar aggregate classification (germline): Uncertain significance (1 of 4 stars; one submission).

Submission:

Labcorp Genetics (formerly Invitae), Labcorp
Classification: Uncertain significance. Last evaluated: 2022-09-01. Review status: criteria provided, single submitter. Criteria: Invitae Variant Classification Sherloc (09022015). Collection method: clinical testing. Allele origin: germline.
Comment: ClinVar contains an entry for this variant (Variation ID: 1522557). This sequence change creates a premature translational stop signal (p.Asp1548Thrfs*2) in the OBSL1 gene. While this is not anticipated to result in nonsense mediated decay, it is expected to disrupt the last 349 amino acid(s) of the OBSL1 protein. However, it is currently unclear if variants that occur in this region of the gene cause disease. This variant is not present in population databases (gnomAD no frequency). This variant has not been reported in the literature in individuals affected with OBSL1-related conditions. In summary, the available evidence is currently insufficient to determine the role of this variant in disease. Therefore, it has been classified as a Variant of Uncertain Significance.